The following is an entry in ClinVar:

NM_006579.3(EBP):c.488T>C (p.Val163Ala)

Gene: EBP (EBP cholestenol delta-isomerase; plus strand). Cytogenetic location: Xp11.23.
Variant type: single nucleotide variant.
Coding change: c.488T>C on transcript NM_006579.3 (MANE Select); coding-DNA position 488, T replaced by C.
Protein change: p.Val163Ala; replaces valine 163 with alanine.
Molecular consequence: missense variant.
Genome position (GRCh38, 1-based): chrX:48,528,252, T>C. VCF-style: chrX-48528252-T-C. GRCh37 (hg19) VCF-style: chrX-48386640-T-C.
Other names: short protein forms V163A.
Identifiers: ClinVar variation 3673680 (VCV003673680.2).

ClinVar aggregate classification (germline): Uncertain significance (1 of 4 stars; one submission).

Submission:

Labcorp Genetics (formerly Invitae), Labcorp
Classification: Uncertain significance. Last evaluated: 2024-04-02. Review status: criteria provided, single submitter. Criteria: Invitae Variant Classification Sherloc (09022015). Collection method: clinical testing. Allele origin: germline.
Comment: This sequence change replaces valine, which is neutral and non-polar, with alanine, which is neutral and non-polar, at codon 163 of the EBP protein (p.Val163Ala). This variant is not present in population databases (gnomAD no frequency). This variant has not been reported in the literature in individuals affected with EBP-related conditions. Algorithms developed to predict the effect of missense changes on protein structure and function output the following: SIFT: "Not Available"; PolyPhen-2: "Benign"; Align-GVGD: "Not Available". The alanine amino acid residue is found in multiple mammalian species, which suggests that this missense change does not adversely affect protein function. In summary, the available evidence is currently insufficient to determine the role of this variant in disease. Therefore, it has been classified as a Variant of Uncertain Significance.